The following is an entry in ClinVar:

NM_002210.5(ITGAV):c.2052C>T (p.Ile684=)

Genes: FAM171B-AS1 (FAM171B and ITGAV antisense RNA 1; minus strand), ITGAV (integrin subunit alpha V; plus strand). Cytogenetic location: 2q32.1.
Variant type: single nucleotide variant.
Coding change: c.2052C>T on transcript NM_002210.5 (MANE Select); coding-DNA position 2052, C replaced by T.
Protein change: p.Ile684=; no amino-acid change (isoleucine 684 retained).
Molecular consequence: synonymous variant.
Genome position (GRCh38, 1-based): chr2:186,664,620, C>T. VCF-style: chr2-186664620-C-T. GRCh37 (hg19) VCF-style: chr2-187529347-C-T.
Other names: c.1914C>T, p.Ile638= (NM_001144999.3); c.1944C>T, p.Ile648= (NM_001145000.3).
Identifiers: ClinVar variation 4872055 (VCV004872055.2).

ClinVar aggregate classification (germline): Likely benign (1 of 4 stars; one submission).

gnomAD v4.1: 1,836 of 1,613,984 alleles (0.11%); highest among the groups gnomAD compares: Middle Eastern, 0.63%; 3 homozygotes.

Submission:

CeGaT Center for Human Genetics Tuebingen
Classification: Likely benign. Last evaluated: 2026-05-01. Review status: criteria provided, single submitter. Criteria: CeGaT Center For Human Genetics Tuebingen Variant Classification Criteria Version 2. Collection method: clinical testing. Allele origin: germline. Affected: yes. Observed: 1 variant allele.
Comment: ITGAV: BP4, BP7